The following is an entry in ClinVar:

NM_016507.4(CDK12):c.2616A>T (p.Gln872His)

Gene: CDK12 (cyclin dependent kinase 12; plus strand). Cytogenetic location: 17q12.
Variant type: single nucleotide variant.
Coding change: c.2616A>T on transcript NM_016507.4 (MANE Select); coding-DNA position 2616, A replaced by T.
Protein change: p.Gln872His; replaces glutamine 872 with histidine.
Molecular consequence: missense variant.
Genome position (GRCh38, 1-based): chr17:39,509,711, A>T. VCF-style: chr17-39509711-A-T. GRCh37 (hg19) VCF-style: chr17-37665964-A-T.
Other names: c.2616A>T, p.Gln872His (NM_015083.4); short protein forms Q872H.
Identifiers: ClinVar variation 5034098 (VCV005034098.1).

ClinVar aggregate classification (germline): Uncertain significance (1 of 4 stars; one submission).

Submission:

Ambry Genetics
Classification: Uncertain significance. Last evaluated: 2026-07-14. Review status: criteria provided, single submitter. Criteria: Ambry Variant Classification Scheme 2023. Collection method: clinical testing. Allele origin: germline.
Comment: The p.Q872H variant (also known as c.2616A>T), located in coding exon 7 of the CDK12 gene, results from an A to T substitution at nucleotide position 2616. The glutamine at codon 872 is replaced by histidine, an amino acid with highly similar properties. This amino acid position is conserved. In addition, the in silico prediction for this alteration is inconclusive. Based on the available evidence, the clinical significance of this variant remains unclear.